The following is an entry in ClinVar:

NM_003664.5(AP3B1):c.1069A>G (p.Ile357Val)

Gene: AP3B1 (adaptor related protein complex 3 subunit beta 1; minus strand). Cytogenetic location: 5q14.1.
Variant type: single nucleotide variant.
Coding change: c.1069A>G on transcript NM_003664.5 (MANE Select); coding-DNA position 1069, A replaced by G.
Protein change: p.Ile357Val; replaces isoleucine 357 with valine.
Molecular consequence: missense variant.
Genome position (GRCh38, 1-based): chr5:78,175,810, T>C on the plus strand (A>G on the coding strand, the complement: AP3B1 is on the minus strand). VCF-style: chr5-78175810-T-C. GRCh37 (hg19) VCF-style: chr5-77471634-T-C.
Other names: p.Ile357Val; c.922A>G, p.Ile308Val (NM_001271769.2); short protein forms I357V, I308V.
Identifiers: ClinVar variation 354243 (VCV000354243.68), dbSNP rs142025324, ClinGen allele CA3317208.

ClinVar aggregate classification (germline): Conflicting classifications of pathogenicity. Review status: criteria provided, conflicting classifications (1 of 4 stars). 14 submissions from 14 submitters: Uncertain significance (2); Benign (1); Likely benign (7). 4 of the submissions do not count toward it. Last evaluated 2026-02-02.

Conditions:
AP3B1-related disorder. Also called: AP3B1-related condition.
Autoinflammatory syndrome. Identifiers: Orphanet 93665, MedGen C3890737, MONDO:0019751.
Hermansky-Pudlak syndrome 2 (HPS2). Also called: Platelet defects and oculocutaneous albinism. Identifiers: Orphanet 183678, Orphanet 79430, MedGen C1842362, MONDO:0011997, OMIM 608233.

Allele frequency attached by ClinVar (database versions not stated): 1000 Genomes Project 0.00060; 1000 Genomes Project 30x 0.00062; TOPMed 0.00124; ESP Exome Variant Server 0.00146; ExAC 0.00148; gnomAD exomes 0.00168 and 0.00186; gnomAD 0.00177 and 0.00182.
gnomAD v4.1: 2,985 of 1,612,266 alleles (0.19%); highest among the groups gnomAD compares: Non-Finnish European, 0.21%; 10 homozygotes.

Submissions (14):

Labcorp Genetics (formerly Invitae), Labcorp
Classification: Likely benign for Hermansky-Pudlak syndrome 2. Last evaluated: 2026-02-02. Review status: criteria provided, single submitter. Criteria: Invitae Variant Classification Sherloc (09022015). Collection method: clinical testing. Allele origin: germline.

CeGaT Center for Human Genetics Tuebingen
Classification: Likely benign. Last evaluated: 2025-11-01. Review status: criteria provided, single submitter. Criteria: CeGaT Center For Human Genetics Tuebingen Variant Classification Criteria Version 2. Collection method: clinical testing. Allele origin: germline. Affected: yes. Observed: 2 variant alleles.
Comment: AP3B1: BS2

Blueprint Genetics
Classification: Likely benign. Last evaluated: 2024-11-22. Review status: criteria provided, single submitter. Criteria: ACMG Guidelines, 2015. Collection method: clinical testing. Allele origin: germline.

Mayo Clinic Laboratories, Mayo Clinic
Classification: Benign. Last evaluated: 2024-06-03. Review status: criteria provided, single submitter. Criteria: ACMG Guidelines, 2015. Collection method: clinical testing. Allele origin: germline. Observed: 6 variant alleles.
Comment: BS1, BS2, BP4

Department of Pathology and Laboratory Medicine, Sinai Health System
Classification: Likely benign for Hermansky-Pudlak syndrome 2. Last evaluated: 2022-11-15. Review status: criteria provided, single submitter. Criteria: ACMG Guidelines, 2015. Collection method: research. Allele origin: germline.

Center for Genomics, Ann and Robert H. Lurie Children's Hospital of Chicago
Classification: Likely benign for Hermansky-Pudlak syndrome 2. Last evaluated: 2022-08-23. Review status: criteria provided, single submitter. Criteria: ACMG Guidelines, 2015. Collection method: clinical testing. Allele origin: germline.
Comment: This variant has not been reported in the literature but is present in the Genome Aggregation Database (Highest reported MAF: 0.3% [193/68014], including 1 homozygote). Evoluationary conservation and computational predictive tools suggest that this variant may not impact the protein. In summary, data on this variant suggests that this variant does not cause disease but requires further evidence. Therefore, this variant is classified as likely benign.

Women's Health and Genetics/Laboratory Corporation of America, LabCorp
Classification: Likely benign. Last evaluated: 2022-02-17. Review status: criteria provided, single submitter. Criteria: LabCorp Variant Classification Summary - May 2015. Collection method: clinical testing. Allele origin: germline.
Comment: Variant summary: AP3B1 c.1069A>G (p.Ile357Val) results in a conservative amino acid change located in the Clathrin/coatomer adaptor, adaptin-like, N-terminal domain (IPR002553) of the encoded protein sequence. Four of five in-silico tools predict a benign effect of the variant on protein function. The variant allele was found at a frequency of 0.0017 in 251064 control chromosomes, predominantly at a frequency of 0.0024 within the Non-Finnish European subpopulation in the gnomAD database, including 1 homozygote. The observed variant frequency within Non-Finnish European control individuals in the gnomAD database is approximately 4.8 fold of the estimated maximal expected allele frequency for a pathogenic variant in AP3B1 causing Hermansky-Pudlak Syndrome phenotype (0.0005), strongly suggesting that the variant is a benign polymorphism found primarily in populations of Non-Finnish European origin. To our knowledge, no occurrence of c.1069A>G in individuals affected with Hermansky-Pudlak Syndrome and no experimental evidence demonstrating its impact on protein function have been reported. Four clinical diagnostic laboratories have submitted clinical-significance assessments for this variant to ClinVar after 2014 without evidence for independent evaluation (Likely benign, n=2; VUS, n=2). Based on the evidence outlined above, the variant was classified as likely benign.

Genome Diagnostics Laboratory, The Hospital for Sick Children
Classification: Likely benign for Autoinflammatory syndrome. Last evaluated: 2020-01-01. Review status: criteria provided, single submitter. Criteria: ACMG Guidelines, 2015. Collection method: clinical testing. Allele origin: germline. Affected: yes.

Illumina Laboratory Services, Illumina
Classification: Uncertain significance for Hermansky-Pudlak syndrome 2. Last evaluated: 2018-01-13. Review status: criteria provided, single submitter. Criteria: ICSL Variant Classification Criteria 13 December 2019. Collection method: clinical testing. Allele origin: germline.

Genetic Services Laboratory, University of Chicago
Classification: Uncertain significance. Last evaluated: 2017-10-25. Review status: criteria provided, single submitter. Criteria: ACMG Guidelines, 2015. Collection method: clinical testing. Allele origin: germline. Affected: no.

PreventionGenetics, part of Exact Sciences
Classification: Likely benign for AP3B1-related condition. Last evaluated: 2022-01-14. Review status: no assertion criteria provided. Collection method: clinical testing. Allele origin: germline. Not counted in ClinVar's aggregate classification.
Comment: This variant is classified as likely benign based on ACMG/AMP sequence variant interpretation guidelines (Richards et al. 2015 PMID: 25741868, with internal and published modifications).

Clinical Genetics DNA and cytogenetics Diagnostics Lab, Erasmus MC, Erasmus Medical Center
Classification: Likely benign. Review status: no assertion criteria provided. Collection method: clinical testing. Allele origin: germline. Affected: yes. Study: VKGL Data-share Consensus. Not counted in ClinVar's aggregate classification.

Clinical Genetics, Academic Medical Center
Classification: Likely benign. Review status: no assertion criteria provided. Collection method: clinical testing. Allele origin: germline. Affected: yes. Study: VKGL Data-share Consensus. Not counted in ClinVar's aggregate classification.

Genome Diagnostics Laboratory, University Medical Center Utrecht
Classification: Likely benign. Review status: no assertion criteria provided. Collection method: clinical testing. Allele origin: germline. Affected: yes. Study: VKGL Data-share Consensus. Not counted in ClinVar's aggregate classification.

Literature cited by the submitters: PubMed 31898847 (cited by Women's Health and Genetics/Laboratory Corporation of America, LabCorp).